The following is an entry in ClinVar:

ClinVar aggregate classification (germline): Uncertain significance (1 of 4 stars; one submission).

gnomAD v4.1: 3 of 1,614,114 alleles (0.00019%); highest among the groups gnomAD compares: Admixed American, 0.005%; no homozygotes.

Submission:

Labcorp Genetics (formerly Invitae), Labcorp
Classification: Uncertain significance. Last evaluated: 2024-09-27. Review status: criteria provided, single submitter. Criteria: Invitae Variant Classification Sherloc (09022015). Collection method: clinical testing. Allele origin: germline.
Comment: This sequence change replaces glutamic acid, which is acidic and polar, with lysine, which is basic and polar, at codon 226 of the KRT2 protein (p.Glu226Lys). This variant is present in population databases (rs770617369, gnomAD 0.009%). This variant has not been reported in the literature in individuals affected with KRT2-related conditions. Invitae Evidence Modeling of protein sequence and biophysical properties (such as structural, functional, and spatial information, amino acid conservation, physicochemical variation, residue mobility, and thermodynamic stability) indicates that this missense variant is not expected to disrupt KRT2 protein function with a negative predictive value of 80%. In summary, the available evidence is currently insufficient to determine the role of this variant in disease. Therefore, it has been classified as a Variant of Uncertain Significance.

NM_000423.3(KRT2):c.676G>A (p.Glu226Lys)

Gene: KRT2 (keratin 2; minus strand). Cytogenetic location: 12q13.13.
Variant type: single nucleotide variant.
Coding change: c.676G>A on transcript NM_000423.3 (MANE Select); coding-DNA position 676, G replaced by A.
Protein change: p.Glu226Lys; replaces glutamic acid 226 with lysine.
Molecular consequence: missense variant.
Genome position (GRCh38, 1-based): chr12:52,650,463, C>T on the plus strand (G>A on the coding strand, the complement: KRT2 is on the minus strand). VCF-style: chr12-52650463-C-T. GRCh37 (hg19) VCF-style: chr12-53044247-C-T.
Other names: short protein forms E226K.
Identifiers: ClinVar variation 3668015 (VCV003668015.2).